The following is an entry in ClinVar:

ClinVar aggregate classification (germline): Uncertain significance. Review status: criteria provided, multiple submitters, no conflicts (2 of 4 stars). 2 submissions from 2 submitters: Uncertain significance (2). Last evaluated 2024-10-18.

Conditions:
Inborn genetic diseases. Identifiers: MedGen C0950123, MeSH D030342.
Dystonic disorder. Also called: Dystonia. Identifiers: MedGen C0013421, MONDO:0003441, HP:0001332.

Allele frequency attached by ClinVar (database versions not stated): ExAC 0.00002; gnomAD 0.00003; TOPMed 0.00004; ESP Exome Variant Server 0.00008; gnomAD exomes 0.00010.

Submissions (2):

Labcorp Genetics (formerly Invitae), Labcorp
Classification: Uncertain significance for Dystonic disorder. Last evaluated: 2024-10-18. Review status: criteria provided, single submitter. Criteria: Invitae Variant Classification Sherloc (09022015). Collection method: clinical testing. Allele origin: germline.
Comment: This sequence change replaces serine, which is neutral and polar, with leucine, which is neutral and non-polar, at codon 243 of the TOR1A protein (p.Ser243Leu). This variant is present in population databases (rs368894467, gnomAD 0.004%). This variant has not been reported in the literature in individuals affected with TOR1A-related conditions. Invitae Evidence Modeling of protein sequence and biophysical properties (such as structural, functional, and spatial information, amino acid conservation, physicochemical variation, residue mobility, and thermodynamic stability) indicates that this missense variant is not expected to disrupt TOR1A protein function with a negative predictive value of 80%. In summary, the available evidence is currently insufficient to determine the role of this variant in disease. Therefore, it has been classified as a Variant of Uncertain Significance.

Ambry Genetics
Classification: Uncertain significance for Inborn genetic diseases. Last evaluated: 2023-11-29. Review status: criteria provided, single submitter. Criteria: Ambry Variant Classification Scheme 2023. Collection method: clinical testing. Allele origin: germline.

NM_000113.3(TOR1A):c.728C>T (p.Ser243Leu)

Gene: TOR1A (torsin family 1 member A; minus strand). Cytogenetic location: 9q34.11.
Variant type: single nucleotide variant.
Coding change: c.728C>T on transcript NM_000113.3 (MANE Select); coding-DNA position 728, C replaced by T.
Protein change: p.Ser243Leu; replaces serine 243 with leucine.
Molecular consequence: missense variant.
Genome position (GRCh38, 1-based): chr9:129,818,540, G>A on the plus strand (C>T on the coding strand, the complement: TOR1A is on the minus strand). VCF-style: chr9-129818540-G-A. GRCh37 (hg19) VCF-style: chr9-132580819-G-A.
Other names: c.728C>T (NM_000113.2); short protein forms S243L.
Identifiers: ClinVar variation 2740512 (VCV002740512.4), dbSNP rs368894467, ClinGen allele CA5278571.